The following is an entry in ClinVar:

NM_018897.3(DNAH7):c.943A>G (p.Ile315Val)

Gene: DNAH7 (dynein axonemal heavy chain 7; minus strand). Cytogenetic location: 2q32.3.
Variant type: single nucleotide variant.
Coding change: c.943A>G on transcript NM_018897.3 (MANE Select); coding-DNA position 943, A replaced by G.
Protein change: p.Ile315Val; replaces isoleucine 315 with valine.
Molecular consequence: missense variant.
Genome position (GRCh38, 1-based): chr2:196,012,833, T>C on the plus strand (A>G on the coding strand, the complement: DNAH7 is on the minus strand). VCF-style: chr2-196012833-T-C. GRCh37 (hg19) VCF-style: chr2-196877557-T-C.
Other names: short protein forms I315V.
Identifiers: ClinVar variation 3345946 (VCV003345946.1).

ClinVar aggregate classification (germline): Benign (0 of 4 stars; one submission).

Conditions:
DNAH7-related disorder. Also called: DNAH7-related condition.

gnomAD v4.1: 18,101 of 1,582,000 alleles (1.1%); highest among the groups gnomAD compares: African/African-American, 12%; 741 homozygotes.

Submission:

PreventionGenetics, part of Exact Sciences
Classification: Benign for DNAH7-related condition. Last evaluated: 2024-08-31. Review status: no assertion criteria provided. Collection method: clinical testing. Allele origin: germline.
Comment: This variant is classified as benign based on ACMG/AMP sequence variant interpretation guidelines (Richards et al. 2015 PMID: 25741868, with internal and published modifications).